The following is an entry in ClinVar:

ClinVar aggregate classification (germline): Pathogenic. Review status: criteria provided, multiple submitters, no conflicts (2 of 4 stars). 2 submissions from 2 submitters: Pathogenic (2). Last evaluated 2025-11-21.

Conditions:
Gaucher disease. Also called: Acute cerebral Gaucher disease; Cerebroside lipidosis syndrome; Gaucher splenomegaly; Sphingolipidosis 1; Glucocerebrosidosis; Glucosylceramidase deficiency. Identifiers: Orphanet 355, MedGen C0017205, MONDO:0018150.

Submissions (2):

Natera, Inc.
Classification: Pathogenic for Gaucher disease. Last evaluated: 2025-11-21. Review status: criteria provided, single submitter. Criteria: Natera Variant Classification Schema (03/2026). Collection method: clinical testing. Allele origin: germline.
Comment: The c.1357C>T variant in GBA1 is a nonsense variant predicted to introduce a stop codon at amino acid 453. This variant is expected to result in nonsense mediated decay, truncation, or a dysfunctional protein product. This variant is rare in the general population with a frequency below the threshold expected for the associated phenotype(s). This variant has been observed in one or more individuals affected with the associated recessive disease, as either homozygous or compound heterozygous with a second variant (PMID: 21982627). Given the available evidence, this variant is classified as Pathogenic.

Women's Health and Genetics/Laboratory Corporation of America, LabCorp
Classification: Pathogenic for Gaucher disease. Last evaluated: 2018-12-24. Review status: criteria provided, single submitter. Criteria: LabCorp Variant Classification Summary - May 2015. Collection method: clinical testing. Allele origin: germline.
Comment: Variant summary: GBA c.1357C>T (p.Gln453X) results in a premature termination codon, predicted to cause a truncation of the encoded protein or absence of the protein due to nonsense mediated decay, which are commonly known mechanisms for disease. The variant was absent in 243302 control chromosomes (gnomAD). c.1357C>T has been reported in the literature in four compound heterozygous individuals affected with Gaucher Disease (Beutler 1996, Chan 2011). These data indicate that the variant is likely to be associated with disease. To our knowledge, no experimental evidence demonstrating an impact on protein function has been reported. No clinical diagnostic laboratories have submitted clinical-significance assessments for this variant to ClinVar after 2014. Based on the evidence outlined above, the variant was classified as pathogenic.

Literature cited by the submitters: PubMed 21982627 (cited by Natera, Inc. and Women's Health and Genetics/Laboratory Corporation of America, LabCorp); PubMed 8889578 (cited by Women's Health and Genetics/Laboratory Corporation of America, LabCorp); PubMed 7500895 (cited by Women's Health and Genetics/Laboratory Corporation of America, LabCorp); PubMed 8774051 (cited by Women's Health and Genetics/Laboratory Corporation of America, LabCorp).

NM_000157.4(GBA1):c.1357C>T (p.Gln453Ter)

Genes: GBA1 (glucosylceramidase beta 1; minus strand), LOC106627981 (GBA recombination region; plus strand). Cytogenetic location: 1q22.
Variant type: single nucleotide variant.
Coding change: c.1357C>T on transcript NM_000157.4 (MANE Select); coding-DNA position 1357, C replaced by T.
Protein change: p.Gln453Ter; replaces glutamine 453 with a stop codon.
Molecular consequence: nonsense.
Genome position (GRCh38, 1-based): chr1:155,235,712, G>A on the plus strand (C>T on the coding strand, the complement: GBA1 is on the minus strand). VCF-style: chr1-155235712-G-A. GRCh37 (hg19) VCF-style: chr1-155205503-G-A.
Other names: c.1357C>T, p.Gln453Ter (NM_001005741.3, NM_001005742.3); c.1096C>T, p.Gln366Ter (NM_001171811.2); c.1210C>T, p.Gln404Ter (NM_001171812.2); c.1357C>T (NM_000157.3); short protein forms Q453*, Q366*, Q404*.
Identifiers: ClinVar variation 633241 (VCV000633241.3), dbSNP rs1557901325, ClinGen allele CA342712665.